The following is an entry in ClinVar:

ClinVar aggregate classification (germline): Pathogenic (1 of 4 stars; one submission).

Conditions:
Smith-Lemli-Opitz syndrome (SLOS). Also called: 7-Dehydrocholesterol reductase deficiency; LETHAL ACRODYSGENITAL SYNDROME; POLYDACTYLY, SEX REVERSAL, RENAL HYPOPLASIA, AND UNILOBAR LUNG; RSH SYNDROME; RUTLEDGE LETHAL MULTIPLE CONGENITAL ANOMALY SYNDROME. Identifiers: Orphanet 818, MedGen C0175694, MONDO:0010035, OMIM 270400.

Submission:

Labcorp Genetics (formerly Invitae), Labcorp
Classification: Pathogenic for Smith-Lemli-Opitz syndrome. Last evaluated: 2021-08-07. Review status: criteria provided, single submitter. Criteria: Invitae Variant Classification Sherloc (09022015). Collection method: clinical testing. Allele origin: germline.
Comment: This variant is a gross deletion of the genomic region encompassing exons 3-6 of the DHCR7 gene, which includes the initiator codon. The 5' end of this event is unknown as it extends beyond the assayed region for this gene and therefore may encompass additional genes. The 3' boundary is likely confined to intron 6 of the DHCR7 gene. This is expected to result in an absent or disrupted protein product. This variant has not been reported in the literature in individuals with DHCR7-related conditions. Loss-of-function variants in DHCR7 are known to be pathogenic (PMID: 9634533, 10677299). For these reasons, this variant has been classified as Pathogenic.

Literature cited by the submitters: PubMed 9634533; PubMed 10677299.

NC_000011.10:g.(?_71441217)_(71444962_?)del

Gene: DHCR7 (7-dehydrocholesterol reductase; minus strand). Cytogenetic location: 11q13.4.
Variant type: Deletion.
Identifiers: ClinVar variation 830646 (VCV000830646.4).